The following is an entry in ClinVar:

NM_000268.4(NF2):c.1216G>A (p.Glu406Lys)

Gene: NF2 (NF2, moesin-ezrin-radixin like (MERLIN) tumor suppressor; plus strand). Cytogenetic location: 22q12.2.
Variant type: single nucleotide variant.
Coding change: c.1216G>A on transcript NM_000268.4 (MANE Select); coding-DNA position 1216, G replaced by A.
Protein change: p.Glu406Lys; replaces glutamic acid 406 with lysine.
Molecular consequence: missense variant. On other transcripts: intron variant (1).
Genome position (GRCh38, 1-based): chr22:29,673,362, G>A. VCF-style: chr22-29673362-G-A. GRCh37 (hg19) VCF-style: chr22-30069351-G-A.
Other names: c.1102G>A, p.Glu368Lys (NM_001407053.1, NM_001407056.1); c.1093G>A, p.Glu365Lys (NM_001407054.1, NM_001407058.1, NM_181829.3); c.1090G>A, p.Glu364Lys (NM_001407055.1, NM_181828.3); c.1081G>A, p.Glu361Lys (NM_001407057.1, NM_001407059.1); c.1216G>A, p.Glu406Lys (NM_001407060.1, NM_001407066.1, NM_016418.5 and 2 more transcripts); c.958G>A, p.Glu320Lys (NM_001407062.1); c.967G>A, p.Glu323Lys (NM_001407063.1, NM_001407064.1, NM_181830.3 and 1 more transcripts); c.682G>A, p.Glu228Lys (NM_001407065.1); and 2 more; short protein forms E361K, E228K, E320K, E323K, E329K, E365K, E368K, E406K.
Identifiers: ClinVar variation 3879165 (VCV003879165.1).
Genomic context (GRCh38, chr22:29,673,362, plus strand): 5'-GAAAAGGCCCAGATCACCGAGGAGGAGGCAAAACTTCTGGCCCAGAAGGCCGCAGAGGCT[G>A]AGCAGGAAATGCAGCGCATCAAGGCCACAGCGATTCGCACGGAGGAGGAGAAGCGCCTGA-3'
Protein context (NP_000259.1, residues 396-416): KLLAQKAAEA[Glu406Lys]QEMQRIKATA

ClinVar aggregate classification (germline): Uncertain significance (1 of 4 stars; one submission).

Conditions:
Hereditary cancer-predisposing syndrome. Also called: Tumor predisposition; Neoplastic Syndromes, Hereditary; Hereditary Cancer Syndrome; Hereditary neoplastic syndrome. Identifiers: Orphanet 140162, MedGen C0027672, MeSH D009386, MONDO:0015356.

Submission:

Ambry Genetics
Classification: Uncertain significance for Hereditary cancer-predisposing syndrome. Last evaluated: 2024-12-29. Review status: criteria provided, single submitter. Criteria: Ambry Variant Classification Scheme 2023. Collection method: clinical testing. Allele origin: germline.
Comment: The p.E406K variant (also known as c.1216G>A), located in coding exon 12 of the NF2 gene, results from a G to A substitution at nucleotide position 1216. The glutamic acid at codon 406 is replaced by lysine, an amino acid with similar properties. This amino acid position is conserved. In addition, the in silico prediction for this alteration is inconclusive. Based on the available evidence, the clinical significance of this variant remains unclear.